The following is an entry in ClinVar:

NM_006648.4(WNK2):c.5386T>C (p.Ser1796Pro)

Gene: WNK2 (WNK lysine deficient protein kinase 2; plus strand). Cytogenetic location: 9q22.31.
Variant type: single nucleotide variant.
Coding change: c.5386T>C on transcript NM_006648.4 (MANE Select); coding-DNA position 5386, T replaced by C.
Protein change: p.Ser1796Pro; replaces serine 1796 with proline.
Molecular consequence: missense variant.
Genome position (GRCh38, 1-based): chr9:93,292,851, T>C. VCF-style: chr9-93292851-T-C. GRCh37 (hg19) VCF-style: chr9-96055133-T-C.
Other names: c.5497T>C, p.Ser1833Pro (NM_001282394.3); short protein forms S1796P, S1833P.
Identifiers: ClinVar variation 4201691 (VCV004201691.1).

ClinVar aggregate classification (germline): Uncertain significance (1 of 4 stars; one submission).

Submission:

Ambry Genetics
Classification: Uncertain significance. Last evaluated: 2025-08-01. Review status: criteria provided, single submitter. Criteria: Ambry Variant Classification Scheme 2023. Collection method: clinical testing. Allele origin: germline.
Comment: The p.S1796P variant (also known as c.5386T>C), located in coding exon 22 of the WNK2 gene, results from a T to C substitution at nucleotide position 5386. The serine at codon 1796 is replaced by proline, an amino acid with similar properties. This amino acid position is conserved. In addition, this alteration is predicted to be tolerated by in silico analysis. Based on the available evidence, the clinical significance of this variant remains unclear.